The following is an entry in ClinVar:

ClinVar aggregate classification (germline): Uncertain significance (1 of 4 stars; one submission).

Conditions:
Baller-Gerold syndrome (BGS). Also called: CRANIOSYNOSTOSIS WITH RADIAL DEFECTS. Identifiers: Orphanet 1225, MedGen C0265308, MONDO:0009039, OMIM 218600.

Submission:

Labcorp Genetics (formerly Invitae), Labcorp
Classification: Uncertain significance for Baller-Gerold syndrome. Last evaluated: 2022-03-21. Review status: criteria provided, single submitter. Criteria: Invitae Variant Classification Sherloc (09022015). Collection method: clinical testing. Allele origin: germline.
Comment: Algorithms developed to predict the effect of sequence changes on RNA splicing suggest that this variant may disrupt the consensus splice site. This variant has not been reported in the literature in individuals affected with RECQL4-related conditions. This variant is not present in population databases (gnomAD no frequency). This sequence change replaces glycine, which is neutral and non-polar, with serine, which is neutral and polar, at codon 236 of the RECQL4 protein (p.Gly236Ser). In summary, the available evidence is currently insufficient to determine the role of this variant in disease. Therefore, it has been classified as a Variant of Uncertain Significance.

NM_004260.4(RECQL4):c.706G>A (p.Gly236Ser)

Gene: RECQL4 (RecQ like helicase 4; minus strand). Cytogenetic location: 8q24.3.
Variant type: single nucleotide variant.
Coding change: c.706G>A on transcript NM_004260.4 (MANE Select); coding-DNA position 706, G replaced by A.
Protein change: p.Gly236Ser; replaces glycine 236 with serine.
Molecular consequence: missense variant.
Genome position (GRCh38, 1-based): chr8:144,516,413, C>T on the plus strand (G>A on the coding strand, the complement: RECQL4 is on the minus strand). VCF-style: chr8-144516413-C-T. GRCh37 (hg19) VCF-style: chr8-145741797-C-T.
Other names: c.706G>A, p.Gly236Ser (NM_001413017.1, NM_001413018.1, NM_001413019.1 and 4 more transcripts); c.-366G>A (NM_001413021.1, NM_001413022.1, NM_001413023.1 and 7 more transcripts); c.577G>A, p.Gly193Ser (NM_001413025.1); c.-428G>A (NM_001413027.1, NM_001413030.1, NM_001413031.1 and 2 more transcripts); c.355G>A, p.Gly119Ser (NM_001413029.1); c.-270G>A (NM_001413034.1); c.-635G>A (NM_001413043.1); short protein forms G193S, G236S, G119S.
Identifiers: ClinVar variation 2096698 (VCV002096698.4), dbSNP rs2130723912, ClinGen allele CA372689586.